The following is an entry in ClinVar:

NM_017637.6(BNC2):c.2070C>G (p.Asp690Glu)

Genes: BNC2 (basonuclin zinc finger protein 2; minus strand), LOC126860585 (MED14-independent group 3 enhancer GRCh37_chr9:16435259-16436458; plus strand). Cytogenetic location: 9p22.3.
Variant type: single nucleotide variant.
Coding change: c.2070C>G on transcript NM_017637.6 (MANE Select); coding-DNA position 2070, C replaced by G.
Protein change: p.Asp690Glu; replaces aspartic acid 690 with glutamic acid.
Molecular consequence: missense variant.
Genome position (GRCh38, 1-based): chr9:16,436,124, G>C on the plus strand (C>G on the coding strand, the complement: BNC2 is on the minus strand). VCF-style: chr9-16436124-G-C. GRCh37 (hg19) VCF-style: chr9-16436122-G-C.
Other names: c.1944C>G, p.Asp648Glu (NM_001317939.2); c.1785C>G, p.Asp595Glu (NM_001317940.2); short protein forms D648E, D690E, D595E.
Identifiers: ClinVar variation 2979234 (VCV002979234.4), dbSNP rs145916043, ClinGen allele CA4995970.

ClinVar aggregate classification (germline): Uncertain significance. Review status: criteria provided, multiple submitters, no conflicts (2 of 4 stars). 2 submissions from 2 submitters: Uncertain significance (2). Last evaluated 2025-03-01.

Conditions:
Inborn genetic diseases. Identifiers: MedGen C0950123, MeSH D030342.

gnomAD v4.1: 51 of 1,614,016 alleles (0.0032%); highest among the groups gnomAD compares: Middle Eastern, 0.033%; no homozygotes.

Submissions (2):

Ambry Genetics
Classification: Uncertain significance for Inborn genetic diseases. Last evaluated: 2025-03-01. Review status: criteria provided, single submitter. Criteria: Ambry Variant Classification Scheme 2023. Collection method: clinical testing. Allele origin: germline.

Labcorp Genetics (formerly Invitae), Labcorp
Classification: Uncertain significance. Last evaluated: 2023-09-20. Review status: criteria provided, single submitter. Criteria: Invitae Variant Classification Sherloc (09022015). Collection method: clinical testing. Allele origin: germline.
Comment: This sequence change replaces aspartic acid, which is acidic and polar, with glutamic acid, which is acidic and polar, at codon 690 of the BNC2 protein (p.Asp690Glu). This variant is present in population databases (rs145916043, gnomAD 0.009%). This variant has not been reported in the literature in individuals affected with BNC2-related conditions. An algorithm developed to predict the effect of missense changes on protein structure and function (PolyPhen-2) suggests that this variant is likely to be tolerated. In summary, the available evidence is currently insufficient to determine the role of this variant in disease. Therefore, it has been classified as a Variant of Uncertain Significance.